The following is an entry in ClinVar:

NM_001244926.2(PRPF4):c.49G>A (p.Asp17Asn)

Gene: PRPF4 (pre-mRNA splicing tri-snRNP complex factor PRPF4; plus strand). Cytogenetic location: 9q32.
Variant type: single nucleotide variant.
Coding change: c.49G>A on transcript NM_001244926.2 (MANE Select); coding-DNA position 49, G replaced by A.
Protein change: p.Asp17Asn; replaces aspartic acid 17 with asparagine.
Molecular consequence: missense variant. On other transcripts: 5 prime UTR variant (2), non-coding transcript variant (2).
Genome position (GRCh38, 1-based): chr9:113,276,569, G>A. VCF-style: chr9-113276569-G-A. GRCh37 (hg19) VCF-style: chr9-116038849-G-A.
Other names: c.-717G>A (NM_001322266.2, NM_001322267.2); c.52G>A, p.Asp18Asn (NM_004697.5); short protein forms D17N, D18N.
Identifiers: ClinVar variation 844172 (VCV000844172.11), dbSNP rs1832103162, ClinGen allele CA374551191.

ClinVar aggregate classification (germline): Uncertain significance (1 of 4 stars; one submission).

Allele frequency attached by ClinVar (database versions not stated): gnomAD exomes below 0.00001.
gnomAD v4.1: 1 of 1,614,120 alleles (0.000062%); highest among the groups gnomAD compares: South Asian, 0.0011%; no homozygotes.

Submission:

Labcorp Genetics (formerly Invitae), Labcorp
Classification: Uncertain significance. Last evaluated: 2022-03-10. Review status: criteria provided, single submitter. Criteria: Invitae Variant Classification Sherloc (09022015). Collection method: clinical testing. Allele origin: germline.
Comment: This variant is not present in population databases (gnomAD no frequency). In summary, the available evidence is currently insufficient to determine the role of this variant in disease. Therefore, it has been classified as a Variant of Uncertain Significance. Algorithms developed to predict the effect of missense changes on protein structure and function are either unavailable or do not agree on the potential impact of this missense change (SIFT: "Tolerated"; PolyPhen-2: "Possibly Damaging"; Align-GVGD: "Class C0"). ClinVar contains an entry for this variant (Variation ID: 844172). This variant has not been reported in the literature in individuals affected with PRPF4-related conditions. This sequence change replaces aspartic acid, which is acidic and polar, with asparagine, which is neutral and polar, at codon 18 of the PRPF4 protein (p.Asp18Asn).